The following is an entry in ClinVar:

ClinVar aggregate classification (germline): Pathogenic/Likely pathogenic. Review status: criteria provided, multiple submitters, no conflicts (2 of 4 stars). 10 submissions from 10 submitters: Pathogenic (8); Likely pathogenic (1). 1 of the submissions does not count toward it. Last evaluated 2026-04-20.

Conditions:
PKHD1-related disorder. Also called: PKHD1-related condition.
Polycystic kidney disease 4 (PKD4). Also called: POLYCYSTIC KIDNEY AND HEPATIC DISEASE 1; POLYCYSTIC KIDNEY DISEASE, INFANTILE, TYPE I; POLYCYSTIC KIDNEY DISEASE 4 WITH OR WITHOUT POLYCYSTIC LIVER DISEASE; PKD3; Autosomal Recessive Polycystic Kidney Disease – PKHD1. Identifiers: MedGen C4540575, MONDO:0033004, OMIM 263200.
Autosomal recessive polycystic kidney disease (ARPKD). Also called: AR polycystic kidney disease. Identifiers: Orphanet 731, Orphanet 8378, MedGen C0085548, MeSH D017044, MONDO:0009889.

Submissions (10):

PreventionGenetics, part of Exact Sciences
Classification: Pathogenic for PKHD1-related condition. Last evaluated: 2026-04-20. Review status: criteria provided, single submitter. Criteria: ACMG Guidelines, 2015. Collection method: clinical testing. Allele origin: germline.
Comment: The PKHD1 c.930delC variant is predicted to result in a frameshift and premature protein termination (p.Thr311Leufs*8). This variant has been reported to be pathogenic for autosomal recessive polycystic kidney disease (ARPKD) (see for example, Supplemental Table 3, Retterer et al. 2016. PubMed ID: 26633542; Table S2, Jayasinghe et al. 2021. PubMed ID: 32939031). This variant is reported in 0.0081% of alleles in individuals of African descent in gnomAD. Frameshift variants in PKHD1 are expected to be pathogenic. This variant is interpreted as pathogenic.

Natera, Inc.
Classification: Pathogenic for Autosomal recessive polycystic kidney disease. Last evaluated: 2025-10-22. Review status: criteria provided, single submitter. Criteria: Natera Variant Classification Schema (03/2026). Collection method: clinical testing. Allele origin: germline.
Comment: The c.930delC variant in PKHD1 is a frameshift variant predicted to shift the reading frame beginning at codon 311 and leads to a stop codon 8 codons downstream. This variant is expected to result in nonsense mediated decay, truncation, or a dysfunctional protein product. This variant is rare in the general population with a frequency below the threshold expected for the associated phenotype(s). This variant has been observed in one or more individuals affected with the associated recessive disease, as either homozygous or compound heterozygous with a second variant (PMID: 32939031). Given the available evidence, this variant is classified as Pathogenic.

GeneDx
Classification: Pathogenic. Last evaluated: 2025-10-07. Review status: criteria provided, single submitter. Criteria: GeneDx Variant Classification Process June 2021. Collection method: clinical testing. Allele origin: germline. Affected: yes.
Comment: Frameshift variant predicted to result in protein truncation or nonsense mediated decay in a gene for which loss of function is a known mechanism of disease; Not observed at significant frequency in large population cohorts (gnomAD); This variant is associated with the following publications: (PMID: 26633542, 30650191, 32939031)

Blueprint Genetics
Classification: Likely pathogenic for PKHD1-related disorders. Last evaluated: 2024-03-19. Review status: criteria provided, single submitter. Criteria: ACMG Guidelines, 2015. Collection method: clinical testing. Allele origin: germline. Affected: yes. Observed: 2 variant alleles.

Labcorp Genetics (formerly Invitae), Labcorp
Classification: Pathogenic for Autosomal recessive polycystic kidney disease. Last evaluated: 2024-03-05. Review status: criteria provided, single submitter. Criteria: Invitae Variant Classification Sherloc (09022015). Collection method: clinical testing. Allele origin: germline.
Comment: This sequence change creates a premature translational stop signal (p.Thr311Leufs*8) in the PKHD1 gene. It is expected to result in an absent or disrupted protein product. Loss-of-function variants in PKHD1 are known to be pathogenic (PMID: 19940839). This variant is present in population databases (rs398124501, gnomAD 0.01%). This premature translational stop signal has been observed in individual(s) with congenital anomalies (PMID: 26633542). ClinVar contains an entry for this variant (Variation ID: 96442). Algorithms developed to predict the effect of sequence changes on RNA splicing suggest that this variant may disrupt the consensus splice site. For these reasons, this variant has been classified as Pathogenic.

Fulgent Genetics
Classification: Pathogenic for Polycystic kidney disease 4. Last evaluated: 2021-06-30. Review status: criteria provided, single submitter. Criteria: ACMG Guidelines, 2015. Collection method: clinical testing. Allele origin: unknown.
Comment: This variant has been detected in individual(s) who were sent for testing of Renasight - kidney gene panel.

Victorian Clinical Genetics Services, Murdoch Childrens Research Institute
Classification: Pathogenic for Polycystic kidney disease 4. Last evaluated: 2018-05-21. Review status: criteria provided, single submitter. Criteria: ACMG Guidelines, 2015. Collection method: clinical testing. Allele origin: unknown. Affected: yes.
Comment: A heterozygous frameshift deletion variant, NM_138694.3(PKHD1):c.930delC, has been identified in exon 13 of 67 of the PKHD1 gene. This deletion is predicted to create a frameshift starting at amino acid position 311, introducing a stop codon 8 residues downstream (NP_619639.3(PKHD1):p.(Thr311Leufs*8)). This variant is predicted to result in loss of protein function either through truncation (including the loss of multiple domains) or nonsense-mediated decay, which is a reported mechanism of pathogenicity for this gene. The variant is present in the gnomAD database at a frequency of 0.002% (7/275288 heterozygotes and 0 homozygotes). The variant has been previously reported as pathogenic in association with polycystic kidney disease (ClinVar). Based on the information available at the time of curation, this variant has been classified as PATHOGENIC.

Eurofins Ntd Llc (ga)
Classification: Pathogenic. Last evaluated: 2014-05-14. Review status: criteria provided, single submitter. Criteria: EGL Classification Definitions. Collection method: clinical testing. Allele origin: germline. Observed: 4 variant alleles, 4 heterozygotes.

Baylor Genetics
Classification: Pathogenic for Polycystic kidney disease 4. Review status: criteria provided, single submitter. Criteria: ACMG Guidelines, 2015. Collection method: clinical testing. Allele origin: germline.

Counsyl
Classification: Likely pathogenic for Polycystic kidney disease 4. Last evaluated: 2015-07-08. Review status: no assertion criteria provided. Collection method: clinical testing. Allele origin: unknown. Not counted in ClinVar's aggregate classification.

Literature cited by the submitters: PubMed 32939031 (cited by Natera, Inc.); PubMed 19940839 (cited by Labcorp Genetics (formerly Invitae), Labcorp); PubMed 26633542 (cited by Labcorp Genetics (formerly Invitae), Labcorp).

NM_138694.4(PKHD1):c.930del (p.Thr311fs)

Gene: PKHD1 (PKHD1 ciliary IPT domain containing fibrocystin/polyductin; minus strand). Cytogenetic location: 6p12.2.
Variant type: Deletion.
Coding change: c.930del on transcript NM_138694.4 (MANE Select); coding-DNA position 930, one base deleted (C; older notation c.930delC).
Protein change: p.Thr311fs; shifts the reading frame from threonine 311.
Molecular consequence: frameshift variant.
Genome position (GRCh38, 1-based): chr6:52,065,001, G deleted on the plus strand (C on the coding strand, the reverse complement: PKHD1 is on the minus strand); the first of 2 consecutive G bases (chr6:52,065,001-52,065,002); deleting either gives the same sequence. VCF-style (leftmost placement, unchanged base first): chr6-52065000-TG-T. GRCh37 (hg19) VCF-style: chr6-51929798-TG-T.
Other names: c.930del, p.Thr311fs (NM_170724.3); c.930del (NM_138694.3, NM_170724.2); short protein forms T311fs.
Identifiers: ClinVar variation 96442 (VCV000096442.35), dbSNP rs398124501, ClinGen allele CA224112.